The following is an entry in ClinVar:

NM_000059.4(BRCA2):c.289G>A (p.Glu97Lys)

Gene: BRCA2 (BRCA2 DNA repair associated; plus strand). Cytogenetic location: 13q13.1.
Variant type: single nucleotide variant.
Coding change: c.289G>A on transcript NM_000059.4 (MANE Select); coding-DNA position 289, G replaced by A.
Protein change: p.Glu97Lys; replaces glutamic acid 97 with lysine.
Molecular consequence: missense variant. On other transcripts: 5 prime UTR variant (1), non-coding transcript variant (1).
Genome position (GRCh38, 1-based): chr13:32,319,298, G>A. VCF-style: chr13-32319298-G-A. GRCh37 (hg19) VCF-style: chr13-32893435-G-A.
Other names: c.289G>A, p.Glu97Lys (NM_001406719.1, NM_001406720.1, NM_001406721.1 and 1 more transcripts); c.-81G>A (NM_001406722.1); short protein forms E97K.
Identifiers: ClinVar variation 3636405 (VCV003636405.2).

ClinVar aggregate classification (germline): Uncertain significance (1 of 4 stars; one submission).

Conditions:
Hereditary breast ovarian cancer syndrome. Also called: Hereditary breast and ovarian cancer syndrome; Hereditary breast and ovarian cancer syndrome (HBOC); BRCA1- and BRCA2-Associated Hereditary Breast and Ovarian Cancer; Hereditary breast and ovarian cancer; Breast and ovarian cancer; Hereditary breast and/or ovarian cancer syndrome. Identifiers: Orphanet 145, MedGen C0677776, MeSH D061325, MONDO:0003582. Disease mechanism: loss of function.

Submission:

Labcorp Genetics (formerly Invitae), Labcorp
Classification: Uncertain significance for Hereditary breast ovarian cancer syndrome. Last evaluated: 2025-01-19. Review status: criteria provided, single submitter. Criteria: Invitae Variant Classification Sherloc (09022015). Collection method: clinical testing. Allele origin: germline.
Comment: This sequence change replaces glutamic acid, which is acidic and polar, with lysine, which is basic and polar, at codon 97 of the BRCA2 protein (p.Glu97Lys). This variant is not present in population databases (gnomAD no frequency). This variant has not been reported in the literature in individuals affected with BRCA2-related conditions. Invitae Evidence Modeling of protein sequence and biophysical properties (such as structural, functional, and spatial information, amino acid conservation, physicochemical variation, residue mobility, and thermodynamic stability) indicates that this missense variant is not expected to disrupt BRCA2 protein function with a negative predictive value of 95%. In summary, the available evidence is currently insufficient to determine the role of this variant in disease. Therefore, it has been classified as a Variant of Uncertain Significance.